The following is an entry in ClinVar:

ClinVar aggregate classification (germline): Uncertain significance (1 of 4 stars; one submission).

Submission:

GeneDx
Classification: Uncertain significance. Last evaluated: 2025-03-06. Review status: criteria provided, single submitter. Criteria: GeneDx Variant Classification Process June 2021. Collection method: clinical testing. Allele origin: germline. Affected: yes.
Comment: Not observed at significant frequency in large population cohorts (gnomAD); In silico analysis supports that this missense variant has a deleterious effect on protein structure/function; Has not been previously published as pathogenic or benign to our knowledge

NM_001349999.2(RBFOX2):c.746G>A (p.Arg249His)

Gene: RBFOX2 (RNA binding fox-1 homolog 2; minus strand). Cytogenetic location: 22q12.3.
Variant type: single nucleotide variant.
Coding change: c.746G>A on transcript NM_001349999.2 (MANE Select); coding-DNA position 746, G replaced by A.
Protein change: p.Arg249His; replaces arginine 249 with histidine.
Molecular consequence: missense variant. On other transcripts: intron variant (4).
Genome position (GRCh38, 1-based): chr22:35,768,267, C>T on the plus strand (G>A on the coding strand, the complement: RBFOX2 is on the minus strand). VCF-style: chr22-35768267-C-T. GRCh37 (hg19) VCF-style: chr22-36164314-C-T.
Other names: c.533G>A, p.Arg178His (NM_001031695.4, NM_001082576.3, NM_001082577.3 and 2 more transcripts); c.746G>A, p.Arg249His (NM_001082578.4, NM_001394114.1); c.743G>A, p.Arg248His (NM_001082579.3, NM_001394112.1, NM_001394113.1 and 1 more transcripts); c.599G>A, p.Arg200His (NM_001349982.2, NM_001349989.2, NM_001349990.2 and 4 more transcripts); c.536G>A, p.Arg179His (NM_001349997.2, NM_014309.4); c.740G>A, p.Arg247His (NM_001394108.1); c.661-2784G>A (NM_001394111.1, NM_001394110.1, NM_001394109.1); c.517-2784G>A (NM_001349995.2); short protein forms R178H, R179H, R200H, R247H, R248H, R249H.
Identifiers: ClinVar variation 4083044 (VCV004083044.1).